The following is an entry in ClinVar:

ClinVar aggregate classification (germline): Uncertain significance (1 of 4 stars; one submission).

Submission:

Labcorp Genetics (formerly Invitae), Labcorp
Classification: Uncertain significance. Last evaluated: 2022-04-11. Review status: criteria provided, single submitter. Criteria: Invitae Variant Classification Sherloc (09022015). Collection method: clinical testing. Allele origin: germline.
Comment: This sequence change replaces asparagine, which is neutral and polar, with lysine, which is basic and polar, at codon 519 of the ERCC2 protein (p.Asn519Lys). This variant is not present in population databases (gnomAD no frequency). This variant has not been reported in the literature in individuals affected with ERCC2-related conditions. Algorithms developed to predict the effect of missense changes on protein structure and function are either unavailable or do not agree on the potential impact of this missense change (SIFT: "Deleterious"; PolyPhen-2: "Possibly Damaging"; Align-GVGD: "Class C0"). In summary, the available evidence is currently insufficient to determine the role of this variant in disease. Therefore, it has been classified as a Variant of Uncertain Significance.

NM_000400.4(ERCC2):c.1557C>A (p.Asn519Lys)

Gene: ERCC2 (ERCC excision repair 2, TFIIH core complex helicase subunit; minus strand). Cytogenetic location: 19q13.32.
Variant type: single nucleotide variant.
Coding change: c.1557C>A on transcript NM_000400.4 (MANE Select); coding-DNA position 1557, C replaced by A.
Protein change: p.Asn519Lys; replaces asparagine 519 with lysine.
Molecular consequence: missense variant.
Genome position (GRCh38, 1-based): chr19:45,354,838, G>T on the plus strand (C>A on the coding strand, the complement: ERCC2 is on the minus strand). VCF-style: chr19-45354838-G-T. GRCh37 (hg19) VCF-style: chr19-45858096-G-T.
Other names: short protein forms N519K.
Identifiers: ClinVar variation 2124677 (VCV002124677.4), dbSNP rs2514006405, ClinGen allele CA406365583.